The following is an entry in ClinVar:

ClinVar aggregate classification (germline): Uncertain significance (1 of 4 stars; one submission).

Allele frequency attached by ClinVar (database versions not stated): ExAC 0.00002; gnomAD 0.00003; gnomAD exomes 0.00003; TOPMed 0.00003.
gnomAD v4.1: 49 of 1,613,070 alleles (0.003%); highest among the groups gnomAD compares: Non-Finnish European, 0.0039%; no homozygotes.

Submission:

Labcorp Genetics (formerly Invitae), Labcorp
Classification: Uncertain significance. Last evaluated: 2025-04-17. Review status: criteria provided, single submitter. Criteria: Invitae Variant Classification Sherloc (09022015). Collection method: clinical testing. Allele origin: germline.
Comment: This sequence change replaces serine, which is neutral and polar, with glycine, which is neutral and non-polar, at codon 184 of the STAT4 protein (p.Ser184Gly). This variant is present in population databases (rs757114207, gnomAD 0.003%). This variant has not been reported in the literature in individuals affected with STAT4-related conditions. ClinVar contains an entry for this variant (Variation ID: 2716800). Invitae Evidence Modeling of protein sequence and biophysical properties (such as structural, functional, and spatial information, amino acid conservation, physicochemical variation, residue mobility, and thermodynamic stability) indicates that this missense variant is not expected to disrupt STAT4 protein function with a negative predictive value of 80%. In summary, the available evidence is currently insufficient to determine the role of this variant in disease. Therefore, it has been classified as a Variant of Uncertain Significance.

NM_003151.4(STAT4):c.550A>G (p.Ser184Gly)

Gene: STAT4 (signal transducer and activator of transcription 4; minus strand). Cytogenetic location: 2q32.2.
Variant type: single nucleotide variant.
Coding change: c.550A>G on transcript NM_003151.4 (MANE Select); coding-DNA position 550, A replaced by G.
Protein change: p.Ser184Gly; replaces serine 184 with glycine.
Molecular consequence: missense variant.
Genome position (GRCh38, 1-based): chr2:191,066,510, T>C on the plus strand (A>G on the coding strand, the complement: STAT4 is on the minus strand). VCF-style: chr2-191066510-T-C. GRCh37 (hg19) VCF-style: chr2-191931236-T-C.
Other names: c.550A>G, p.Ser184Gly (NM_001243835.2); short protein forms S184G.
Identifiers: ClinVar variation 2716800 (VCV002716800.3), dbSNP rs757114207, ClinGen allele CA2030847.